The following is an entry in ClinVar:

ClinVar aggregate classification (germline): Uncertain significance (1 of 4 stars; one submission).

Conditions:
Hereditary cancer-predisposing syndrome. Also called: Tumor predisposition; Hereditary Cancer Syndrome; Hereditary neoplastic syndrome; Neoplastic Syndromes, Hereditary. Identifiers: Orphanet 140162, MedGen C0027672, MeSH D009386, MONDO:0015356.

Submission:

Ambry Genetics
Classification: Uncertain significance for Hereditary cancer-predisposing syndrome. Last evaluated: 2024-03-25. Review status: criteria provided, single submitter. Criteria: Ambry Variant Classification Scheme 2023. Collection method: clinical testing. Allele origin: germline.
Comment: The p.C1641Y variant (also known as c.4922G>A), located in coding exon 22 of the DICER1 gene, results from a G to A substitution at nucleotide position 4922. The cysteine at codon 1641 is replaced by tyrosine, an amino acid with highly dissimilar properties. This amino acid position is conserved. In addition, this alteration is predicted to be tolerated by in silico analysis. Based on the available evidence, the clinical significance of this alteration remains unclear.

NM_177438.3(DICER1):c.4922G>A (p.Cys1641Tyr)

Gene: DICER1 (dicer 1, ribonuclease III; minus strand). Cytogenetic location: 14q32.13.
Variant type: single nucleotide variant.
Coding change: c.4922G>A on transcript NM_177438.3 (MANE Select); coding-DNA position 4922, G replaced by A.
Protein change: p.Cys1641Tyr; replaces cysteine 1641 with tyrosine.
Molecular consequence: missense variant. On other transcripts: non-coding transcript variant (6).
Genome position (GRCh38, 1-based): chr14:95,095,998, C>T on the plus strand (G>A on the coding strand, the complement: DICER1 is on the minus strand). VCF-style: chr14-95095998-C-T. GRCh37 (hg19) VCF-style: chr14-95562335-C-T.
Other names: c.4922G>A, p.Cys1641Tyr (NM_001195573.1, NM_001271282.3, NM_001291628.2 and 12 more transcripts); c.4640G>A, p.Cys1547Tyr (NM_001395686.1); c.4517G>A, p.Cys1506Tyr (NM_001395687.1, NM_001395688.1, NM_001395689.1 and 2 more transcripts); c.4355G>A, p.Cys1452Tyr (NM_001395691.1); c.3239G>A, p.Cys1080Tyr (NM_001395697.1); short protein forms C1080Y, C1506Y, C1547Y, C1641Y, C1452Y.
Identifiers: ClinVar variation 3271987 (VCV003271987.1).
Genomic context (GRCh38, chr14:95,095,998, plus strand): 5'-TGATTCAGTGTTTTATCTGCATCTGGATGATCAAACATACATCTTGGTGGAATCTTCAAA[C>T]AACCATATTCCGAGTCTTTCAATACAGAAGAGCGTGAACTGGCCACAGAAGCAGCAGCAC-3'
Protein context (NP_803187.1, residues 1631-1651): SSVLKDSEYG[Cys1641Tyr]LKIPPRCMFD